The following is an entry in ClinVar:

ClinVar aggregate classification (germline): Benign (1 of 4 stars; one submission).

Allele frequency attached by ClinVar (database versions not stated): gnomAD 0.31655 and 0.31978; TOPMed 0.33441; 1000 Genomes Project 0.37101; 1000 Genomes Project 30x 0.37274.

Submission:

GeneDx
Classification: Benign. Last evaluated: 2018-06-14. Review status: criteria provided, single submitter. Criteria: GeneDx Variant Classification (06012015). Collection method: clinical testing. Allele origin: germline. Affected: yes.
Comment: This variant is considered likely benign or benign based on one or more of the following criteria: it is a conservative change, it occurs at a poorly conserved position in the protein, it is predicted to be benign by multiple in silico algorithms, and/or has population frequency not consistent with disease.

NM_006420.3(ARFGEF2):c.908-269G>A

Gene: ARFGEF2 (ARF guanine nucleotide exchange factor 2; plus strand). Cytogenetic location: 20q13.13.
Variant type: single nucleotide variant.
Coding change: c.908-269G>A on transcript NM_006420.3 (MANE Select); 269 bases into the intron before coding-DNA position 908, G replaced by A.
Molecular consequence: intron variant.
Genome position (GRCh38, 1-based): chr20:48,965,603, G>A. VCF-style: chr20-48965603-G-A. GRCh37 (hg19) VCF-style: chr20-47582140-G-A.
Identifiers: ClinVar variation 669388 (VCV000669388.1), dbSNP rs2295025, ClinGen allele CA14850756.